The following is an entry in ClinVar:

ClinVar aggregate classification (germline): Pathogenic/Likely pathogenic. Review status: criteria provided, multiple submitters, no conflicts (2 of 4 stars). 4 submissions from 4 submitters: Pathogenic (3); Likely pathogenic (1). Last evaluated 2025-05-21.

Conditions:
Moderate global developmental delay. Identifiers: MedGen C2237142, HP:0011343.
Autistic behavior. Identifiers: MedGen C0856975, HP:0000729.
Intellectual disability. Also called: Intellectual developmental disorder; Intellectual functioning disability; intellectual disabilities. Identifiers: MedGen C3714756, MeSH D008607, MONDO:0001071, HP:0001249.
Intellectual developmental disorder with autism and speech delay. Also called: Autism, susceptibility to, 5; Autism 5; AUTISM-RELATED SPEECH DELAY; AUTS5; PHRASE SPEECH DELAY, AUTISM-RELATED. Identifiers: MedGen C1853755, MONDO:0011627, OMIM 606053.

Submissions (4):

GeneDx
Classification: Pathogenic. Last evaluated: 2025-05-21. Review status: criteria provided, single submitter. Criteria: GeneDx Variant Classification Process June 2021. Collection method: clinical testing. Allele origin: germline. Affected: yes.
Comment: Frameshift variant predicted to result in protein truncation or nonsense mediated decay in a gene for which loss of function is a known mechanism of disease; Not observed at significant frequency in large population cohorts (gnomAD); This variant is associated with the following publications: (PMID: 25780760, 32005960)

3billion
Classification: Pathogenic for Intellectual developmental disorder with autism and speech delay. Last evaluated: 2024-11-07. Review status: criteria provided, single submitter. Criteria: ACMG Guidelines, 2015. Collection method: clinical testing. Allele origin: germline. Affected: yes.
Comment: The variant is not observed in the gnomAD v4.1.0 dataset. Predicted Consequence/Location: Frameshift: predicted to result in a loss or disruption of normal protein function through nonsense-mediated decay (NMD) or protein truncation. Multiple pathogenic variants are reported downstream of the variant. The variant has been previously reported as assumed (i.e. paternity and maternity not confirmed) de novo in at least one similarly affected unrelated individual (PMID: 32005960). The variant has been reported at least twice as pathogenic without evidence for the classification (ClinVar ID: VCV000523674 /PMID: 32005960). Therefore, this variant is classified as Pathogenic according to the recommendation of ACMG/AMP guideline.

Diagnostic Laboratory, Strasbourg University Hospital
Classification: Pathogenic for Intellectual disability. Last evaluated: 2020-09-10. Review status: criteria provided, single submitter. Criteria: ACMG Guidelines, 2015. Collection method: clinical testing. Allele origin: de novo. Affected: yes. Observed: 1 heterozygote.

Equipe Genetique des Anomalies du Developpement, Université de Bourgogne
Classification: Likely pathogenic for Moderate global developmental delay; Autistic behavior. Last evaluated: 2015-05-13. Review status: criteria provided, single submitter. Criteria: ACMG Guidelines, 2015. Collection method: clinical testing. Allele origin: de novo. Affected: yes. Observed: 1 variant allele.

Literature cited by the submitters: PubMed 32005960 (cited by 3billion).

NM_006593.4(TBR1):c.713_719del (p.Ser238fs)

Gene: TBR1 (T-box brain transcription factor 1; plus strand). Cytogenetic location: 2q24.2.
Variant type: Deletion.
Coding change: c.713_719del on transcript NM_006593.4 (MANE Select); coding-DNA positions 713 to 719, 7 bases deleted (GTTTTAA; older notation c.713_719delGTTTTAA).
Protein change: p.Ser238fs; shifts the reading frame from serine 238.
Molecular consequence: frameshift variant.
Genome position (GRCh38, 1-based): chr2:161,417,696-161,417,702, GTTTTAA deleted; deleting any 7 consecutive bases within chr2:161,417,690-161,417,702 gives the same sequence; the c. name uses the placement nearest the transcript's 3' end. VCF-style (leftmost placement, unchanged base first): chr2-161417689-TTTTTAAG-T. GRCh37 (hg19) VCF-style: chr2-162274200-TTTTTAAG-T.
Other names: short protein forms S238fs.
Identifiers: ClinVar variation 523674 (VCV000523674.5), dbSNP rs1553510280, ClinGen allele CA658795896.